The following is an entry in ClinVar:

NM_001370298.3(FGD4):c.1444A>G (p.Met482Val)

Gene: FGD4 (FYVE, RhoGEF and PH domain containing 4; plus strand). Cytogenetic location: 12p11.21.
Variant type: single nucleotide variant.
Coding change: c.1444A>G on transcript NM_001370298.3 (MANE Select); coding-DNA position 1444, A replaced by G.
Protein change: p.Met482Val; replaces methionine 482 with valine.
Molecular consequence: missense variant. On other transcripts: initiator codon variant (1).
Genome position (GRCh38, 1-based): chr12:32,607,996, A>G. VCF-style: chr12-32607996-A-G. GRCh37 (hg19) VCF-style: chr12-32760930-A-G.
Other names: c.1288A>G, p.Met430Val (NM_001304481.2); c.289A>G, p.Met97Val (NM_001304483.2); c.1A>G, p.Met1Val (NM_001304484.2); c.754A>G, p.Met252Val (NM_001330373.2, NM_001330374.2, NM_001384130.1); c.481A>G, p.Met161Val (NM_001370297.1); c.1444A>G, p.Met482Val (NM_001384126.1); c.1033A>G, p.Met345Val (NM_001384127.1, NM_001384128.1, NM_001385118.1 and 1 more transcripts); short protein forms M345V, M430V, M252V, M161V, M1V, M97V, M482V.
Identifiers: ClinVar variation 580908 (VCV000580908.9), dbSNP rs1404084092, ClinGen allele CA384360422.

ClinVar aggregate classification (germline): Uncertain significance (1 of 4 stars; one submission).

Conditions:
Charcot-Marie-Tooth disease type 4. Also called: Charcot-Marie-Tooth disease, type IV; Charcot-Marie-Tooth, Type 4. Identifiers: Orphanet 64749, MedGen C4082197, MONDO:0018995.

Allele frequency attached by ClinVar (database versions not stated): gnomAD exomes below 0.00001.
gnomAD v4.1: 6 of 1,614,246 alleles (0.00037%); highest among the groups gnomAD compares: Admixed American, 0.0017%; no homozygotes.

Submission:

Labcorp Genetics (formerly Invitae), Labcorp
Classification: Uncertain significance for Charcot-Marie-Tooth disease type 4. Last evaluated: 2022-08-09. Review status: criteria provided, single submitter. Criteria: Invitae Variant Classification Sherloc (09022015). Collection method: clinical testing. Allele origin: germline.
Comment: In summary, the available evidence is currently insufficient to determine the role of this variant in disease. Therefore, it has been classified as a Variant of Uncertain Significance. ClinVar contains an entry for this variant (Variation ID: 580908). Algorithms developed to predict the effect of missense changes on protein structure and function are either unavailable or do not agree on the potential impact of this missense change (SIFT: "Deleterious"; PolyPhen-2: "Probably Damaging"; Align-GVGD: "Class C15"). This variant is present in population databases (no rsID available, gnomAD 0.003%). This variant has not been reported in the literature in individuals affected with FGD4-related conditions. This sequence change replaces methionine, which is neutral and non-polar, with valine, which is neutral and non-polar, at codon 345 of the FGD4 protein (p.Met345Val).